The following is an entry in ClinVar:

ClinVar aggregate classification (germline): Likely benign (1 of 4 stars; one submission).

Allele frequency attached by ClinVar (database versions not stated): 1000 Genomes Project 30x 0.00078; gnomAD exomes 0.00161; ExAC 0.01696.

Submission:

CeGaT Center for Human Genetics Tuebingen
Classification: Likely benign. Last evaluated: 2023-06-01. Review status: criteria provided, single submitter. Criteria: CeGaT Center For Human Genetics Tuebingen Variant Classification Criteria Version 2. Collection method: clinical testing. Allele origin: germline. Affected: yes. Observed: 2 variant alleles.
Comment: SAMD1: BP4, BP7

NM_138352.3(SAMD1):c.807C>T (p.Thr269=)

Gene: SAMD1 (sterile alpha motif domain containing 1; minus strand). Cytogenetic location: 19p13.12.
Variant type: single nucleotide variant.
Coding change: c.807C>T on transcript NM_138352.3 (MANE Select); coding-DNA position 807, C replaced by T.
Protein change: p.Thr269=; no amino-acid change (threonine 269 retained).
Molecular consequence: synonymous variant.
Genome position (GRCh38, 1-based): chr19:14,089,932, G>A on the plus strand (C>T on the coding strand, the complement: SAMD1 is on the minus strand). VCF-style: chr19-14089932-G-A. GRCh37 (hg19) VCF-style: chr19-14200744-G-A.
Identifiers: ClinVar variation 2649409 (VCV002649409.24), dbSNP rs779820563, ClinGen allele CA9249075.
Genomic context (GRCh38, chr19:14,089,932, plus strand): 5'-GCGCTCCAGACGGCCTCGAGCCGCCGCCTCCTCCTCCAGCAGCCCCTGCACGCGGCCGCG[G>A]GTTAGGCGACCGCCGGCGCCGCCGCTGCCCCCGAGGTAGCGCACGACTTCCCGCAGGCTC-3'
Protein context (NP_612361.1, residues 259-279): GGSGGAGGRL[Thr269=]RGRVQGLLEE